The following is an entry in ClinVar:

ClinVar aggregate classification (germline): Pathogenic/Likely pathogenic. Review status: criteria provided, multiple submitters, no conflicts (2 of 4 stars). 6 submissions from 6 submitters: Pathogenic (5); Likely pathogenic (1). Last evaluated 2026-08-06.

Conditions:
Mitochondrial complex I deficiency, nuclear type 5. Also called: Mitochondrial complex 1 deficiency, nuclear type 5. Identifiers: MedGen C4748754, MONDO:0032610, OMIM 618226.

Allele frequency attached by ClinVar (database versions not stated): gnomAD 0.00012 and 0.00011; gnomAD exomes 0.00013 and 0.00008; ESP Exome Variant Server 0.00023; ExAC 0.00006; TOPMed 0.00009.

Submissions (6):

GeneDx
Classification: Likely pathogenic. Last evaluated: 2026-08-06. Review status: criteria provided, single submitter. Criteria: GeneDx Variant Classification Process June 2021. Collection method: clinical testing. Allele origin: germline.
Comment: Reported previously in unrelated individuals with isolated complex I deficiency who each harbored a second NDUFS1 variant (PMID: 21458341, 31557978, 37273706, 19167255); Fibroblasts from two patients harboring the V228A variant and another NDUFS1 variant exhibited significantly reduced NDUFS1 protein levels compared to control cell lines (PMID: 21458341); In silico analysis supports that this missense variant has a deleterious effect on protein structure/function; This variant is associated with the following publications: (PMID: 31589614, 27126960, 36074903, 36042640, 36462614, 31557978, 20382551, 21458341, 37273706, 19167255, 36183138, 39331353, 41427350, Tkachuk2025[casereport])

Labcorp Genetics (formerly Invitae), Labcorp
Classification: Pathogenic. Last evaluated: 2025-10-08. Review status: criteria provided, single submitter. Criteria: Invitae Variant Classification Sherloc (09022015). Collection method: clinical testing. Allele origin: germline.
Comment: This sequence change replaces valine, which is neutral and non-polar, with alanine, which is neutral and non-polar, at codon 228 of the NDUFS1 protein (p.Val228Ala). This variant is present in population databases (rs370411488, gnomAD 0.02%). This missense change has been observed in individual(s) with clinical features of mitochondrial complex I deficiency (PMID: 11349233, 19167255, 20382551, 21458341, 31557978). In at least one individual the data is consistent with being in trans (on the opposite chromosome) from a pathogenic variant. ClinVar contains an entry for this variant (Variation ID: 429933). Invitae Evidence Modeling of protein sequence and biophysical properties (such as structural, functional, and spatial information, amino acid conservation, physicochemical variation, residue mobility, and thermodynamic stability) indicates that this missense variant is expected to disrupt NDUFS1 protein function with a positive predictive value of 95%. For these reasons, this variant has been classified as Pathogenic.

Laboratory of Genetics, Children's Clinical University Hospital Latvia
Classification: Pathogenic. Last evaluated: 2025-02-16. Review status: criteria provided, single submitter. Criteria: ACMG Guidelines, 2015. Collection method: clinical testing. Allele origin: germline. Affected: yes.

Baylor Genetics
Classification: Pathogenic for Mitochondrial complex I deficiency, nuclear type 5. Last evaluated: 2023-12-13. Review status: criteria provided, single submitter. Criteria: ACMG Guidelines, 2015. Collection method: clinical testing. Allele origin: unknown.

CeGaT Center for Human Genetics Tuebingen
Classification: Pathogenic. Last evaluated: 2022-12-01. Review status: criteria provided, single submitter. Criteria: CeGaT Center For Human Genetics Tuebingen Variant Classification Criteria Version 2. Collection method: clinical testing. Allele origin: germline. Affected: yes. Observed: 1 variant allele.
Comment: NDUFS1: PM3:Very Strong, PS3:Moderate, PM2:Supporting, PP3

Illumina Laboratory Services, Illumina
Classification: Pathogenic for Mitochondrial complex I deficiency, nuclear type 5. Last evaluated: 2017-09-11. Review status: criteria provided, single submitter. Criteria: ICSL Variant Classification Criteria 09 May 2019. Collection method: clinical testing. Allele origin: germline.
Comment: The NDUFS1 c.683T>C (p.Val228Ala) variant has been reported in four studies and identified in four compound heterozygotes with complex I deficiency (Pagniez-Mammeri et al. 2009; Hoefs et al. 2010; Danhauser et al. 2011). The three individuals identified by Hoefs et al. (2010) and Danhauser et al. (2011) expired before age four. The variant was absent from 100 healthy controls but is reported at a frequency of 0.000349 in European American population of the Exome Sequencing Project. Analysis of cultured skin fibroblasts from patients found that the enzyme activity of complex I was significantly decreased (Hoefs et al. 2010; Danhauser et al. 2011). Danhauser et al. (2011) also transduced and expressed the variant in a construct with wild type protein and the complex I activity doubled in both individuals with the p.Val228Ala variant. Based on the evidence, the p.Val228Ala variant is classified as pathogenic for NDUFS1-related disorders. This variant was observed by ICSL as part of a predisposition screen in an ostensibly healthy population.

Literature cited by the submitters: PubMed 11349233 (cited by Labcorp Genetics (formerly Invitae), Labcorp); PubMed 19167255 (cited by Labcorp Genetics (formerly Invitae), Labcorp and Illumina Laboratory Services, Illumina); PubMed 20382551 (cited by Labcorp Genetics (formerly Invitae), Labcorp and Illumina Laboratory Services, Illumina); PubMed 21458341 (cited by Labcorp Genetics (formerly Invitae), Labcorp and Illumina Laboratory Services, Illumina); PubMed 31557978 (cited by Labcorp Genetics (formerly Invitae), Labcorp).

NM_005006.7(NDUFS1):c.683T>C (p.Val228Ala)

Gene: NDUFS1 (NADH:ubiquinone oxidoreductase core subunit S1; minus strand). Cytogenetic location: 2q33.3.
Variant type: single nucleotide variant.
Coding change: c.683T>C on transcript NM_005006.7 (MANE Select); coding-DNA position 683, T replaced by C.
Protein change: p.Val228Ala; replaces valine 228 with alanine.
Molecular consequence: missense variant.
Genome position (GRCh38, 1-based): chr2:206,146,957, A>G on the plus strand (T>C on the coding strand, the complement: NDUFS1 is on the minus strand). VCF-style: chr2-206146957-A-G. GRCh37 (hg19) VCF-style: chr2-207011681-A-G.
Other names: c.575T>C, p.Val192Ala (NM_001199981.2); c.350T>C, p.Val117Ala (NM_001199982.2); c.512T>C, p.Val171Ala (NM_001199983.2); c.725T>C, p.Val242Ala (NM_001199984.2); short protein forms V228A, V171A, V242A, V192A, V117A.
Identifiers: ClinVar variation 429933 (VCV000429933.45), dbSNP rs370411488, ClinGen allele CA2070700.